The following is an entry in ClinVar:

NM_005378.6(MYCN):c.801TGA[1] (p.Asp268del)

Gene: MYCN (MYCN proto-oncogene, bHLH transcription factor; plus strand). Cytogenetic location: 2p24.3.
Variant type: Microsatellite.
Coding change: c.801TGA[1] on transcript NM_005378.6 (MANE Select); one copy of the 3-base unit TGA starting at c.801; the reference has two copies in a row; one copy, 3 bases deleted.
Protein change: p.Asp268del; deletes aspartic acid 268.
Molecular consequence: inframe deletion. On other transcripts: 3 prime UTR variant (1).
Genome position (GRCh38, 1-based): chr2:15,945,506-15,945,508, TGA deleted; deleting any 3 consecutive bases within chr2:15,945,501-15,945,508 gives the same sequence; the position shown is the placement nearest the transcript's 3' end. VCF-style (leftmost placement, unchanged base first): chr2-15945500-AGAT-A. GRCh37 (hg19) VCF-style: chr2-16085622-AGAT-A.
Other names: c.801TGA[1], p.Asp268del (NM_001293228.2); c.168TGA[1], p.Asp57del (NM_001293231.2); c.*736TGA[1] (NM_001293233.2); c.804_806delTGA (NM_005378.6); short protein forms D268del, D57del.
Identifiers: ClinVar variation 3902519 (VCV003902519.1).

ClinVar aggregate classification (germline): Uncertain significance (1 of 4 stars; one submission).

Submission:

Women's Health and Genetics/Laboratory Corporation of America, LabCorp
Classification: Uncertain significance. Last evaluated: 2025-05-28. Review status: criteria provided, single submitter. Criteria: LabCorp Variant Classification Summary - May 2015. Collection method: clinical testing. Allele origin: germline.
Comment: Variant summary: MYCN c.804_806delTGA (p.Asp268del) results in an in-frame deletion that is predicted to remove 1 amino acid from the encoded protein. The variant allele was found at a frequency of 5e-05 in 239600 control chromosomes. This frequency is not significantly higher than estimated for a pathogenic variant in MYCN causing Feingold Syndrome Type 1, allowing no conclusion about variant significance. To our knowledge, no occurrence of c.804_806delTGA in individuals affected with Feingold Syndrome Type 1 and no experimental evidence demonstrating its impact on protein function have been reported. No submitters have cited clinical-significance assessments for this variant to ClinVar. Based on the evidence outlined above, the variant was classified as uncertain significance.